The following is an entry in ClinVar:

NM_001110556.2(FLNA):c.2137-1G>A

Gene: FLNA (filamin A; minus strand). Cytogenetic location: Xq28.
Variant type: single nucleotide variant.
Coding change: c.2137-1G>A on transcript NM_001110556.2 (MANE Select); the canonical splice acceptor site of the intron before coding-DNA position 2137, G replaced by A.
Molecular consequence: splice acceptor variant.
Genome position (GRCh38, 1-based): chrX:154,364,166, C>T on the plus strand (G>A on the coding strand, the complement: FLNA is on the minus strand). VCF-style: chrX-154364166-C-T. GRCh37 (hg19) VCF-style: chrX-153592534-C-T.
Other names: c.2137-1G>A (NM_001456.4).
Identifiers: ClinVar variation 1687434 (VCV001687434.1), dbSNP rs2148115834, ClinGen allele CA415238277.
Genomic context (GRCh38, chrX:154,364,166, plus strand): 5'-GCTGTAAGTGCCATTGCCGTTGTCCTTGACCAACGCCTCCACAGGGCAGCCTTCATTGTC[C>T]TGTCAGGCAGATAGGAGCAGGTGGCCTGCTGGTCAGTGCCCAGGCCTGGGTGCCCACACC-3'

ClinVar aggregate classification (germline): Likely pathogenic (1 of 4 stars; one submission).

Conditions:
Heterotopia, periventricular, X-linked dominant (PVNH1). Also called: PERIVENTRICULAR NODULAR HETEROTOPIA 1; X-linked periventricular heterotopia; HETEROTOPIA, PERIVENTRICULAR, 1; PERIVENTRICULAR NODULAR HETEROTOPIA 4. Identifiers: Orphanet 2149, Orphanet 82004, MedGen C1848213, MONDO:0010233, OMIM 300049.

Submission:

3billion
Classification: Likely pathogenic for Heterotopia, periventricular, X-linked dominant. Last evaluated: 2022-05-22. Review status: criteria provided, single submitter. Criteria: ACMG Guidelines, 2015. Collection method: clinical testing. Allele origin: germline. Affected: yes. Observed: 1 heterozygote.
Comment: The variant is not observed in the gnomAD v2.1.1 dataset. Canonical splice site: predicted to alter splicing and result in a loss or disruption of normal protein function through nonsense-mediated decay (NMD) or protein truncation. Multiple pathogenic variants are reported downstream of the variant. Therefore, this variant is classified as likely pathogenic according to the recommendation of ACMG/AMP guideline.